The following is an entry in ClinVar:

NM_000302.4(PLOD1):c.1202+2T>A

Gene: PLOD1 (procollagen-lysine,2-oxoglutarate 5-dioxygenase 1; plus strand). Cytogenetic location: 1p36.22.
Variant type: single nucleotide variant.
Coding change: c.1202+2T>A on transcript NM_000302.4 (MANE Select); the canonical splice donor site of the intron after coding-DNA position 1202, T replaced by A.
Molecular consequence: splice donor variant.
Genome position (GRCh38, 1-based): chr1:11,963,638, T>A. VCF-style: chr1-11963638-T-A. GRCh37 (hg19) VCF-style: chr1-12023695-T-A.
Other names: c.1343+2T>A (NM_001316320.2).
Identifiers: ClinVar variation 2630824 (VCV002630824.1), dbSNP rs2522850390, ClinGen allele CA338440555.

ClinVar aggregate classification (germline): Likely pathogenic (1 of 4 stars; one submission).

Conditions:
PLOD1-related disorder. Also called: PLOD1-related condition.

Submission:

PreventionGenetics, part of Exact Sciences
Classification: Likely pathogenic for PLOD1-related condition. Last evaluated: 2023-08-12. Review status: criteria provided, single submitter. Criteria: ACMG Guidelines, 2015. Collection method: clinical testing. Allele origin: germline.
Comment: The PLOD1 c.1202+2T>A variant is predicted to disrupt the GT donor site and interfere with normal splicing. To our knowledge, this variant has not been reported in the literature or in a large population database, indicating this variant is rare. Variants that disrupt the consensus splice donor site in PLOD1 are expected to be pathogenic. This variant is interpreted as likely pathogenic.